The following is an entry in ClinVar:

ClinVar aggregate classification (germline): Likely pathogenic (1 of 4 stars; one submission).

Submission:

GeneDx
Classification: Likely pathogenic. Last evaluated: 2016-10-18. Review status: criteria provided, single submitter. Criteria: GeneDx Variant Classification (06012015). Collection method: clinical testing. Allele origin: germline. Affected: yes.
Comment: An A171P variant that is likely pathogenic has been identified in the DMD gene. The A171P variant has been reported previously in an individual with Becker muscular dystrophy (Eraslan et al., 1999). Functional studies indicated that A171P decreases thermodynamic stability, increases misfolding, and causes protein aggregation (Singh et al., 2010). The A171P variant was not observed in approximately 6,500 individuals of European and African American ancestry in the NHLBI Exome Sequencing Project, indicating it is not a common benign variant in these populations. The A171P variant is a semi-conservative amino acid substitution, which may impact secondary protein structure as these residues differ in some properties. Additionally, this substitution occurs at a position that is conserved in mammals, and in silico analysis predicts this variant is probably damaging to the protein structure/function. Furthermore, missense variants in nearby residues (G166V, A168D, L172H) have been reported in the Human Gene Mutation Database in association with dystrophinopathy (Stenson et al., 2014), supporting the functional importance of this region of the protein. Therefore, this variant is likely pathogenic; however, the possibility that it is benign cannot be excluded.

NM_004006.3(DMD):c.511G>C (p.Ala171Pro)

Gene: DMD (dystrophin; minus strand). Cytogenetic location: Xp21.1.
Variant type: single nucleotide variant.
Coding change: c.511G>C on transcript NM_004006.3 (MANE Select); coding-DNA position 511, G replaced by C.
Protein change: p.Ala171Pro; replaces alanine 171 with proline.
Molecular consequence: missense variant.
Genome position (GRCh38, 1-based): chrX:32,816,487, C>G on the plus strand (G>C on the coding strand, the complement: DMD is on the minus strand). VCF-style: chrX-32816487-C-G. GRCh37 (hg19) VCF-style: chrX-32834604-C-G.
Other names: c.487G>C, p.Ala163Pro (NM_000109.4); c.499G>C, p.Ala167Pro (NM_004009.3); c.142G>C, p.Ala48Pro (NM_004010.3); short protein forms A171P, A167P, A48P, A163P.
Identifiers: ClinVar variation 381571 (VCV000381571.2), dbSNP rs755452188, ClinGen allele CA16608905.
Genomic context (GRCh38, chrX:32,816,487, plus strand): 5'-CCACTTTTACAAGTTATTTAATGTCTCAGTAATCTTCTTACCTATGACTATGGATGAGAG[C>G]ATTCAAAGCCAGGCCATCAGACCAGCTGGTGGTGAAGTTGATTACATTAACCTGTGGATA-3'
Protein context (NP_003997.2, residues 161-181): TSWSDGLALN[Ala171Pro]LIHSHRPDLF